The following is an entry in ClinVar:

NC_000010.10:g.(?_100202871)_(100203007_?)del

Gene: HPS1 (HPS1 biogenesis of lysosomal organelles complex 3 subunit 1; minus strand). Cytogenetic location: 10q24.2.
Variant type: Deletion.
Identifiers: ClinVar variation 1457207 (VCV001457207.4).

ClinVar aggregate classification (germline): Pathogenic (1 of 4 stars; one submission).

Submission:

Labcorp Genetics (formerly Invitae), Labcorp
Classification: Pathogenic. Last evaluated: 2022-09-23. Review status: criteria provided, single submitter. Criteria: Invitae Variant Classification Sherloc (09022015). Collection method: clinical testing. Allele origin: germline.
Comment: This variant is a gross deletion of the genomic region encompassing exon(s) 3 of the HPS1 gene, which includes the initiator codon. This deletion extends beyond the assayed region for this gene and therefore may encompass additional genes. It is expected to result in an absent or disrupted protein product. Loss-of-function variants in HPS1 are known to be pathogenic (PMID: 12442288, 16185271). This variant has not been reported in the literature in individuals affected with HPS1-related conditions. For these reasons, this variant has been classified as Pathogenic.

Literature cited by the submitters: PubMed 12442288; PubMed 16185271.